The following is an entry in ClinVar:

NM_001127255.2(NLRP7):c.2130-2A>G

Genes: NCR1 (natural cytotoxicity triggering receptor 1), NLRP7 (NLR family pyrin domain containing 7; minus strand). Cytogenetic location: 19q13.42.
Variant type: single nucleotide variant.
Coding change: c.2130-2A>G on transcript NM_001127255.2 (MANE Select); the canonical splice acceptor site of the intron before coding-DNA position 2130, A replaced by G.
Molecular consequence: splice acceptor variant.
Genome position (GRCh38, 1-based): chr19:54,936,433, T>C on the plus strand (A>G on the coding strand, the complement: NLRP7 is on the minus strand). VCF-style: chr19-54936433-T-C. GRCh37 (hg19) VCF-style: chr19-55447801-T-C.
Other names: c.2130-2A>G (NM_001405531.1, NM_206828.4); c.2046-2A>G (NM_139176.4).
Identifiers: ClinVar variation 631820 (VCV000631820.15), dbSNP rs764734665, ClinGen allele CA310013707.
Genomic context (GRCh38, chr19:54,936,433, plus strand): 5'-TCCCAATGAAAGCAAGACAGAAGTCCCGGTACGCGGTGTCAGGGGTGACGTTTTTAATCC[T>C]AGGGAAAAGCAGAAGAGATTCCACTTGGAGTGATTAATACTCACATTGTGTGGAGGCATG-3'

ClinVar aggregate classification (germline): Conflicting classifications of pathogenicity. Review status: criteria provided, conflicting classifications (1 of 4 stars). 2 submissions from 2 submitters: Likely pathogenic (1); Uncertain significance (1). Last evaluated 2023-12-23.

Allele frequency attached by ClinVar (database versions not stated): ExAC 0.00001; gnomAD exomes 0.00001 and 0.00002; gnomAD 0.00002 and 0.00003; TOPMed 0.00002.
gnomAD v4.1: 23 of 1,613,206 alleles (0.0014%); highest among the groups gnomAD compares: South Asian, 0.0033%; no homozygotes.

Submissions (2):

GeneDx
Classification: Uncertain significance. Last evaluated: 2023-12-23. Review status: criteria provided, single submitter. Criteria: GeneDx Variant Classification Process June 2021. Collection method: clinical testing. Allele origin: germline. Affected: yes.
Comment: Canonical splice site variant predicted to result in an in-frame loss of the adjacent exon in a gene for which loss of function is a known mechanism of disease; This variant is associated with the following publications: (PMID: 25097207)

Labcorp Genetics (formerly Invitae), Labcorp
Classification: Likely pathogenic. Last evaluated: 2017-07-30. Review status: criteria provided, single submitter. Criteria: Invitae Variant Classification Sherloc (09022015). Collection method: clinical testing. Allele origin: germline.
Comment: In summary, the currently available evidence indicates that the variant is pathogenic, but additional data are needed to prove that conclusively. Therefore, this variant has been classified as Likely Pathogenic. Donor and acceptor splice site variants typically lead to a loss of protein function (PMID: 16199547), and loss-of-function variants in NLRP7 are known to be pathogenic (PMID: 19246479, 19309689). Algorithms developed to predict the effect of sequence changes on RNA splicing suggest that this variant may disrupt the consensus splice site, but this prediction has not been confirmed by published transcriptional studies. This variant has been reported in the literature in the product of conception from individuals affected with hydatidiform mole (PMID: 25097207) This variant is present in population databases (rs764734665, ExAC 0.002%). This sequence change affects an acceptor splice site in intron 5 of the NLRP7 gene. It is expected to disrupt RNA splicing and likely results in an absent or disrupted protein product.

Literature cited by the submitters: PubMed 16199547 (cited by Labcorp Genetics (formerly Invitae), Labcorp); PubMed 19246479 (cited by Labcorp Genetics (formerly Invitae), Labcorp); PubMed 19309689 (cited by Labcorp Genetics (formerly Invitae), Labcorp); PubMed 25097207 (cited by Labcorp Genetics (formerly Invitae), Labcorp).